The following is an entry in ClinVar:

NM_138395.4(MARS2):c.194C>T (p.Ser65Leu)

Genes: MARS2 (methionyl-tRNA synthetase 2, mitochondrial; plus strand), LOC129935365 (ATAC-STARR-seq lymphoblastoid active region 16942; plus strand). Cytogenetic location: 2q33.1.
Variant type: single nucleotide variant.
Coding change: c.194C>T on transcript NM_138395.4 (MANE Select); coding-DNA position 194, C replaced by T.
Protein change: p.Ser65Leu; replaces serine 65 with leucine.
Molecular consequence: missense variant.
Genome position (GRCh38, 1-based): chr2:197,705,599, C>T. VCF-style: chr2-197705599-C-T. GRCh37 (hg19) VCF-style: chr2-198570323-C-T.
Other names: short protein forms S65L.
Identifiers: ClinVar variation 3364143 (VCV003364143.1).

ClinVar aggregate classification (germline): Uncertain significance (1 of 4 stars; one submission).

gnomAD v4.1: 21 of 1,613,070 alleles (0.0013%); highest among the groups gnomAD compares: Non-Finnish European, 0.0015%; no homozygotes.

Submission:

GeneDx
Classification: Uncertain significance. Last evaluated: 2023-11-13. Review status: criteria provided, single submitter. Criteria: GeneDx Variant Classification Process June 2021. Collection method: clinical testing. Allele origin: germline. Affected: yes.
Comment: Not observed at significant frequency in large population cohorts (gnomAD); In silico analysis supports that this missense variant has a deleterious effect on protein structure/function; Has not been previously published as pathogenic or benign to our knowledge